The following is an entry in ClinVar:

NM_003072.5(SMARCA4):c.2853G>T (p.Gly951=)

Gene: SMARCA4 (SWI/SNF related BAF chromatin remodeling complex subunit ATPase 4; plus strand). Cytogenetic location: 19p13.2.
Variant type: single nucleotide variant.
Coding change: c.2853G>T on transcript NM_003072.5 (MANE Select); coding-DNA position 2853, G replaced by T.
Protein change: p.Gly951=; no amino-acid change (glycine 951 retained).
Molecular consequence: synonymous variant. On other transcripts: non-coding transcript variant (1).
Genome position (GRCh38, 1-based): chr19:11,021,961, G>T. VCF-style: chr19-11021961-G-T. GRCh37 (hg19) VCF-style: chr19-11132637-G-T.
Other names: c.2853G>T, p.Gly951= (NM_001128844.3, NM_001128845.2, NM_001128846.2 and 5 more transcripts).
Identifiers: ClinVar variation 408634 (VCV000408634.22), dbSNP rs767915497, ClinGen allele CA9204232.

ClinVar aggregate classification (germline): Benign/Likely benign. Review status: criteria provided, multiple submitters, no conflicts (2 of 4 stars). 6 submissions from 6 submitters: Benign (2); Likely benign (4). Last evaluated 2026-07-14.

Conditions:
Hereditary cancer-predisposing syndrome. Also called: Hereditary Cancer Syndrome; Hereditary neoplastic syndrome; Neoplastic Syndromes, Hereditary; Tumor predisposition. Identifiers: Orphanet 140162, MedGen C0027672, MeSH D009386, MONDO:0015356.
Rhabdoid tumor predisposition syndrome 2 (RTPS2). Identifiers: Orphanet 231108, Orphanet 69077, MedGen C2750074, MONDO:0013224, OMIM 613325.
Coffin-Siris syndrome. Identifiers: Orphanet 1465, MedGen C0265338, MONDO:0015452.
Intellectual disability, autosomal dominant 16 (CSS4). Also called: COFFIN-SIRIS SYNDROME 4. Identifiers: Orphanet 1465, MedGen C3553249, MONDO:0013821, OMIM 614609.

Allele frequency attached by ClinVar (database versions not stated): gnomAD 0.00001; gnomAD exomes 0.00002; ExAC 0.00002; TOPMed below 0.00001.
gnomAD v4.1: 32 of 1,611,852 alleles (0.002%); highest among the groups gnomAD compares: Non-Finnish European, 0.0027%; no homozygotes.

Submissions (6):

Myriad Genetics, Inc.
Classification: Benign for Rhabdoid tumor predisposition syndrome 2. Last evaluated: 2026-07-14. Review status: criteria provided, single submitter. Criteria: Myriad Autosomal Dominant, Autosomal Recessive and X-Linked Classification Criteria (2023). Collection method: clinical testing. Allele origin: unknown.
Comment: This variant is considered benign. This variant is a silent/synonymous amino acid change and it is not expected to impact splicing.

Labcorp Genetics (formerly Invitae), Labcorp
Classification: Likely benign for Rhabdoid tumor predisposition syndrome 2. Last evaluated: 2025-11-02. Review status: criteria provided, single submitter. Criteria: Invitae Variant Classification Sherloc (09022015). Collection method: clinical testing. Allele origin: germline.

ARUP Laboratories, Molecular Genetics and Genomics, ARUP Laboratories
Classification: Likely benign. Last evaluated: 2025-03-11. Review status: criteria provided, single submitter. Criteria: ARUP Molecular Germline Variant Investigation Process 2024. Collection method: clinical testing. Allele origin: germline.

Genome-Nilou Lab
Classification: Likely benign for Intellectual disability, autosomal dominant 16. Last evaluated: 2021-07-15. Review status: criteria provided, single submitter. Criteria: ACMG Guidelines, 2015. Collection method: clinical testing. Allele origin: germline. Affected: no.

Illumina Laboratory Services, Illumina
Classification: Benign for Coffin-Siris syndrome. Last evaluated: 2018-01-13. Review status: criteria provided, single submitter. Criteria: ICSL Variant Classification Criteria 13 December 2019. Collection method: clinical testing. Allele origin: germline.
Comment: This variant was observed in the ICSL laboratory as part of a predisposition screen in an ostensibly healthy population. It had not been previously curated by ICSL or reported in the Human Gene Mutation Database (HGMD: prior to June 1st, 2018), and was therefore a candidate for classification through an automated scoring system. Utilizing variant allele frequency, disease prevalence and penetrance estimates, and inheritance mode, an automated score was calculated to assess if this variant is too frequent to cause the disease. Based on the score and internal cut-off values, a variant classified as benign is not then subjected to further curation. The score for this variant resulted in a classification of benign for this disease.

Ambry Genetics
Classification: Likely benign for Hereditary cancer-predisposing syndrome. Last evaluated: 2017-10-12. Review status: criteria provided, single submitter. Criteria: Ambry Variant Classification Scheme 2023. Collection method: clinical testing. Allele origin: germline.